The following is an entry in ClinVar:

NM_006765.4(TUSC3):c.142C>A (p.Leu48Ile)

Gene: TUSC3 (tumor suppressor candidate 3; plus strand). Cytogenetic location: 8p22.
Variant type: single nucleotide variant.
Coding change: c.142C>A on transcript NM_006765.4 (MANE Select); coding-DNA position 142, C replaced by A.
Protein change: p.Leu48Ile; replaces leucine 48 with isoleucine.
Molecular consequence: missense variant.
Genome position (GRCh38, 1-based): chr8:15,623,083, C>A. VCF-style: chr8-15623083-C-A. GRCh37 (hg19) VCF-style: chr8-15480592-C-A.
Other names: c.142C>A, p.Leu48Ile (NM_001356429.2, NM_001413583.1, NM_001413673.1 and 17 more transcripts); c.-27C>A (NM_001413669.1, NM_001413671.1, NM_001413672.1); c.82C>A, p.Leu28Ile (NM_001413670.1); c.-173C>A (NM_001413677.1); short protein forms L28I, L48I.
Identifiers: ClinVar variation 2193464 (VCV002193464.2), dbSNP rs1450723374, ClinGen allele CA370389642.

ClinVar aggregate classification (germline): Uncertain significance (1 of 4 stars; one submission).

Conditions:
Intellectual developmental disorder, autosomal recessive 7. Also called: Intellectual disability, autosomal recessive 7. Identifiers: Orphanet 88616, MedGen C1970197, MONDO:0012615, OMIM 611093.

Allele frequency attached by ClinVar (database versions not stated): gnomAD 0.00001; gnomAD exomes 0.00001.
gnomAD v4.1: 15 of 1,613,440 alleles (0.00093%); highest among the groups gnomAD compares: Non-Finnish European, 0.0013%; no homozygotes.

Submission:

Labcorp Genetics (formerly Invitae), Labcorp
Classification: Uncertain significance for Intellectual developmental disorder, autosomal recessive 7. Last evaluated: 2022-10-13. Review status: criteria provided, single submitter. Criteria: Invitae Variant Classification Sherloc (09022015). Collection method: clinical testing. Allele origin: germline.
Comment: In summary, the available evidence is currently insufficient to determine the role of this variant in disease. Therefore, it has been classified as a Variant of Uncertain Significance. Algorithms developed to predict the effect of missense changes on protein structure and function (SIFT, PolyPhen-2, Align-GVGD) all suggest that this variant is likely to be tolerated. This variant has not been reported in the literature in individuals affected with TUSC3-related conditions. This variant is present in population databases (no rsID available, gnomAD 0.002%). This sequence change replaces leucine, which is neutral and non-polar, with isoleucine, which is neutral and non-polar, at codon 48 of the TUSC3 protein (p.Leu48Ile).